The following is an entry in ClinVar:

NM_018136.5(ASPM):c.7002G>T (p.Met2334Ile)

Gene: ASPM (assembly factor for spindle microtubules; minus strand). Cytogenetic location: 1q31.3.
Variant type: single nucleotide variant.
Coding change: c.7002G>T on transcript NM_018136.5 (MANE Select); coding-DNA position 7002, G replaced by T.
Protein change: p.Met2334Ile; replaces methionine 2334 with isoleucine.
Molecular consequence: missense variant. On other transcripts: intron variant (1).
Genome position (GRCh38, 1-based): chr1:197,102,249, C>A on the plus strand (G>T on the coding strand, the complement: ASPM is on the minus strand). VCF-style: chr1-197102249-C-A. GRCh37 (hg19) VCF-style: chr1-197071379-C-A.
Other names: c.4066-6085G>T (NM_001206846.2); short protein forms M2334I.
Identifiers: ClinVar variation 286057 (VCV000286057.11), dbSNP rs764918001, ClinGen allele CA1309477.

ClinVar aggregate classification (germline): Uncertain significance. Review status: criteria provided, multiple submitters, no conflicts (2 of 4 stars). 5 submissions from 5 submitters: Uncertain significance (5). Last evaluated 2024-05-17.

Conditions:
Inborn genetic diseases. Identifiers: MedGen C0950123, MeSH D030342.
Microcephaly 5, primary, autosomal recessive (MCPH5). Also called: ASPM Primary Microcephaly. Identifiers: Orphanet 2512, MedGen C1837501, MONDO:0012106, OMIM 608716.

Allele frequency attached by ClinVar (database versions not stated): gnomAD 0.00005 and 0.00006; gnomAD exomes 0.00007; ExAC 0.00008; TOPMed 0.00010.
gnomAD v4.1: 43 of 1,612,694 alleles (0.0027%); highest among the groups gnomAD compares: East Asian, 0.051%; no homozygotes.

Submissions (5):

Labcorp Genetics (formerly Invitae), Labcorp
Classification: Uncertain significance. Last evaluated: 2024-05-17. Review status: criteria provided, single submitter. Criteria: Invitae Variant Classification Sherloc (09022015). Collection method: clinical testing. Allele origin: germline.
Comment: This sequence change replaces methionine, which is neutral and non-polar, with isoleucine, which is neutral and non-polar, at codon 2334 of the ASPM protein (p.Met2334Ile). This variant is present in population databases (rs764918001, gnomAD 0.1%). This variant has not been reported in the literature in individuals affected with ASPM-related conditions. ClinVar contains an entry for this variant (Variation ID: 286057). Advanced modeling of protein sequence and biophysical properties (such as structural, functional, and spatial information, amino acid conservation, physicochemical variation, residue mobility, and thermodynamic stability) has been performed at Invitae for this missense variant, however the output from this modeling did not meet the statistical confidence thresholds required to predict the impact of this variant on ASPM protein function. In summary, the available evidence is currently insufficient to determine the role of this variant in disease. Therefore, it has been classified as a Variant of Uncertain Significance.

Ambry Genetics
Classification: Uncertain significance for Inborn genetic diseases. Last evaluated: 2023-09-21. Review status: criteria provided, single submitter. Criteria: Ambry Variant Classification Scheme 2023. Collection method: clinical testing. Allele origin: germline.

Genome-Nilou Lab
Classification: Uncertain significance for Microcephaly 5, primary, autosomal recessive. Last evaluated: 2023-04-11. Review status: criteria provided, single submitter. Criteria: ACMG Guidelines, 2015. Collection method: clinical testing. Allele origin: germline. Affected: no.

Athena Diagnostics
Classification: Uncertain significance. Last evaluated: 2018-01-23. Review status: criteria provided, single submitter. Criteria: Athena Diagnostics Criteria. Collection method: clinical testing. Allele origin: germline.

Eurofins Ntd Llc (ga)
Classification: Uncertain significance. Last evaluated: 2016-02-12. Review status: criteria provided, single submitter. Criteria: EGL Classification Definitions 2015. Collection method: clinical testing. Allele origin: germline. Observed: 1 variant allele, 1 heterozygote.